The following is an entry in ClinVar:

NM_001378974.1(FBXW11):c.1191C>T (p.Ile397=)

Gene: FBXW11 (F-box and WD repeat domain containing 11; minus strand). Cytogenetic location: 5q35.1.
Variant type: single nucleotide variant.
Coding change: c.1191C>T on transcript NM_001378974.1 (MANE Select); coding-DNA position 1191, C replaced by T.
Protein change: p.Ile397=; no amino-acid change (isoleucine 397 retained).
Molecular consequence: synonymous variant.
Genome position (GRCh38, 1-based): chr5:171,876,315, G>A on the plus strand (C>T on the coding strand, the complement: FBXW11 is on the minus strand). VCF-style: chr5-171876315-G-A. GRCh37 (hg19) VCF-style: chr5-171303319-G-A.
Other names: c.1122C>T, p.Ile374= (NM_001378975.1); c.1095C>T, p.Ile365= (NM_001378976.1); c.1032C>T, p.Ile344= (NM_001378977.1, NM_001378978.1, NM_001378979.1); c.1026C>T, p.Ile342= (NM_001378980.1, NM_033645.3); c.1128C>T, p.Ile376= (NM_012300.3); c.1089C>T, p.Ile363= (NM_033644.3).
Identifiers: ClinVar variation 773465 (VCV000773465.36), dbSNP rs61749649, ClinGen allele CA3559249.

ClinVar aggregate classification (germline): Benign/Likely benign. Review status: criteria provided, multiple submitters, no conflicts (2 of 4 stars). 4 submissions from 4 submitters: Benign (1); Likely benign (2). 1 of the submissions does not count toward it. Last evaluated 2026-08-01.

Conditions:
FBXW11-related disorder. Also called: FBXW11-related condition.

Allele frequency attached by ClinVar (database versions not stated): 1000 Genomes Project 30x 0.00047; 1000 Genomes Project 0.00060; ExAC 0.00203; TOPMed 0.00208; gnomAD 0.00212 and 0.00220; gnomAD exomes 0.00214 and 0.00321; ESP Exome Variant Server 0.00223.
gnomAD v4.1: 4,960 of 1,614,202 alleles (0.31%); highest among the groups gnomAD compares: Non-Finnish European, 0.38%; 11 homozygotes.

Submissions (4):

CeGaT Center for Human Genetics Tuebingen
Classification: Likely benign. Last evaluated: 2026-08-01. Review status: criteria provided, single submitter. Criteria: CeGaT Center For Human Genetics Tuebingen Variant Classification Criteria Version 2. Collection method: clinical testing. Allele origin: germline. Affected: yes. Observed: 23 variant alleles.
Comment: FBXW11: BP4, BP7

Blueprint Genetics
Classification: Likely benign. Last evaluated: 2024-11-12. Review status: criteria provided, single submitter. Criteria: ACMG Guidelines, 2015. Collection method: clinical testing. Allele origin: germline.

Labcorp Genetics (formerly Invitae), Labcorp
Classification: Benign. Last evaluated: 2018-11-03. Review status: criteria provided, single submitter. Criteria: Invitae Variant Classification Sherloc (09022015). Collection method: clinical testing. Allele origin: germline.

PreventionGenetics, part of Exact Sciences
Classification: Likely benign for FBXW11-related condition. Last evaluated: 2021-11-05. Review status: no assertion criteria provided. Collection method: clinical testing. Allele origin: germline. Not counted in ClinVar's aggregate classification.
Comment: This variant is classified as likely benign based on ACMG/AMP sequence variant interpretation guidelines (Richards et al. 2015 PMID: 25741868, with internal and published modifications).